The following is an entry in ClinVar:

NM_001370348.2(PHF3):c.3712-7del

Gene: PHF3 (PHD finger protein 3; plus strand). Cytogenetic location: 6q12.
Variant type: Deletion.
Coding change: c.3712-7del on transcript NM_001370348.2 (MANE Select); 7 bases into the intron before coding-DNA position 3712, one base deleted (A; older notation c.3712-7delA).
Molecular consequence: intron variant.
Genome position (GRCh38, 1-based): chr6:63,709,144, A deleted; the last of 2 consecutive A bases (chr6:63,709,143-63,709,144); deleting either gives the same sequence. VCF-style (leftmost placement, unchanged base first): chr6-63709142-TA-T. GRCh37 (hg19) VCF-style: chr6-64419038-TA-T.
Other names: c.3448-7del (NM_001290259.2, NM_001370349.2); c.1519-7del (NM_001370350.2); c.3712-7del (NM_015153.4).
Identifiers: ClinVar variation 3046162 (VCV003046162.2), dbSNP rs768181259, ClinGen allele CA3876242.

ClinVar aggregate classification (germline): Likely benign (0 of 4 stars; one submission).

Conditions:
PHF3-related disorder. Also called: PHF3-related condition.

Submission:

PreventionGenetics, part of Exact Sciences
Classification: Likely benign for PHF3-related condition. Last evaluated: 2019-11-13. Review status: no assertion criteria provided. Collection method: clinical testing. Allele origin: germline.
Comment: This variant is classified as likely benign based on ACMG/AMP sequence variant interpretation guidelines (Richards et al. 2015 PMID: 25741868, with internal and published modifications).